The following is an entry in ClinVar:

ClinVar aggregate classification (germline): Uncertain significance (1 of 4 stars; one submission).

Conditions:
Wilms tumor 1 (WT1). Also called: Wilms tumor, somatic. Identifiers: Orphanet 654, MedGen CN033288, MONDO:0008679, OMIM 194070.

Submission:

Labcorp Genetics (formerly Invitae), Labcorp
Classification: Uncertain significance for Wilms tumor 1. Last evaluated: 2021-07-03. Review status: criteria provided, single submitter. Criteria: Invitae Variant Classification Sherloc (09022015). Collection method: clinical testing. Allele origin: germline.
Comment: This sequence change replaces aspartic acid with histidine at codon 165 of the GPC3 protein (p.Asp165His). The aspartic acid residue is highly conserved and there is a moderate physicochemical difference between aspartic acid and histidine. This variant is not present in population databases (ExAC no frequency). This variant has not been reported in the literature in individuals affected with GPC3-related conditions. Algorithms developed to predict the effect of missense changes on protein structure and function are either unavailable or do not agree on the potential impact of this missense change (SIFT: "Tolerated"; PolyPhen-2: "Possibly Damaging"; Align-GVGD: "Class C0"). In summary, the available evidence is currently insufficient to determine the role of this variant in disease. Therefore, it has been classified as a Variant of Uncertain Significance.

NM_004484.4(GPC3):c.493G>C (p.Asp165His)

Gene: GPC3 (glypican 3; minus strand). Cytogenetic location: Xq26.2.
Variant type: single nucleotide variant.
Coding change: c.493G>C on transcript NM_004484.4 (MANE Select); coding-DNA position 493, G replaced by C.
Protein change: p.Asp165His; replaces aspartic acid 165 with histidine.
Molecular consequence: missense variant.
Genome position (GRCh38, 1-based): chrX:133,754,021, C>G on the plus strand (G>C on the coding strand, the complement: GPC3 is on the minus strand). VCF-style: chrX-133754021-C-G. GRCh37 (hg19) VCF-style: chrX-132888048-C-G.
Other names: c.493G>C, p.Asp165His (NM_001164617.2); c.445G>C, p.Asp149His (NM_001164618.2); c.331G>C, p.Asp111His (NM_001164619.2); short protein forms D165H, D111H, D149H.
Identifiers: ClinVar variation 1365617 (VCV001365617.8), dbSNP rs2124480689, ClinGen allele CA414706506.
Genomic context (GRCh38, chrX:133,754,021, plus strand): 5'-GGTTCATTAGCTGGGTATAGATGACTGGAAACAGGCTGTCAAACAATTCATTGACCATGT[C>G]ATCTACATTGATGTCAGAACCCAAGATGTAGAGAGACACATCTGTGAAAAATTCACCCAC-3'
Protein context (NP_004475.1, residues 155-175): YILGSDINVD[Asp165His]MVNELFDSLF